The following is an entry in ClinVar:

NM_006035.4(CDC42BPB):c.527T>C (p.Met176Thr)

Gene: CDC42BPB (CDC42 binding protein kinase beta; minus strand). Cytogenetic location: 14q32.32.
Variant type: single nucleotide variant.
Coding change: c.527T>C on transcript NM_006035.4 (MANE Select); coding-DNA position 527, T replaced by C.
Protein change: p.Met176Thr; replaces methionine 176 with threonine.
Molecular consequence: missense variant.
Genome position (GRCh38, 1-based): chr14:102,999,634, A>G on the plus strand (T>C on the coding strand, the complement: CDC42BPB is on the minus strand). VCF-style: chr14-102999634-A-G. GRCh37 (hg19) VCF-style: chr14-103465971-A-G.
Other names: short protein forms M176T.
Identifiers: ClinVar variation 1703937 (VCV001703937.2), dbSNP rs1041133482, ClinGen allele CA267132835.

ClinVar aggregate classification (germline): Uncertain significance (1 of 4 stars; one submission).

Allele frequency attached by ClinVar (database versions not stated): gnomAD exomes below 0.00001; TOPMed below 0.00001.

Submission:

GeneDx
Classification: Uncertain significance. Last evaluated: 2022-03-04. Review status: criteria provided, single submitter. Criteria: GeneDx Variant Classification Process June 2021. Collection method: clinical testing. Allele origin: germline. Affected: yes.
Comment: Not observed at significant frequency in large population cohorts (gnomAD); In silico analysis supports that this missense variant has a deleterious effect on protein structure/function; Has not been previously published as pathogenic or benign to our knowledge